The following is an entry in ClinVar:

NM_024675.4(PALB2):c.1280C>T (p.Ala427Val)

Gene: PALB2 (partner and localizer of BRCA2; minus strand). Cytogenetic location: 16p12.2.
Variant type: single nucleotide variant.
Coding change: c.1280C>T on transcript NM_024675.4 (MANE Select); coding-DNA position 1280, C replaced by T.
Protein change: p.Ala427Val; replaces alanine 427 with valine.
Molecular consequence: missense variant.
Genome position (GRCh38, 1-based): chr16:23,635,266, G>A on the plus strand (C>T on the coding strand, the complement: PALB2 is on the minus strand). VCF-style: chr16-23635266-G-A. GRCh37 (hg19) VCF-style: chr16-23646587-G-A.
Other names: short protein forms A427V.
Identifiers: ClinVar variation 1419147 (VCV001419147.9), dbSNP rs2142420597, ClinGen allele CA395132586.
Genomic context (GRCh38, chr16:23,635,266, plus strand): 5'-GCATCCTTATTTTTATTTTTAAACCCTTTTTTCTTGACATCCAAATGACTCTGAATGACA[G>A]CCTCCACGGCTACTTTCCTCTGGCAATTGGACATGCTTCGTGTTGTTCTAACATAATATT-3'
Protein context (NP_078951.2, residues 417-437): SNCQRKVAVE[Ala427Val]VIQSHLDVKK

ClinVar aggregate classification (germline): Uncertain significance. Review status: criteria provided, multiple submitters, no conflicts (2 of 4 stars). 2 submissions from 2 submitters: Uncertain significance (2). Last evaluated 2023-07-21.

Conditions:
Hereditary cancer-predisposing syndrome. Also called: Neoplastic Syndromes, Hereditary; Hereditary Cancer Syndrome; Hereditary neoplastic syndrome; Tumor predisposition. Identifiers: Orphanet 140162, MedGen C0027672, MeSH D009386, MONDO:0015356.
Familial cancer of breast. Also called: BREAST CANCER, FAMILIAL; Hereditary breast cancer; hereditary breast carcinoma. Identifiers: Orphanet 227535, MedGen C0346153, MONDO:0016419, OMIM 114480. Disease mechanism: loss of function.

Submissions (2):

Labcorp Genetics (formerly Invitae), Labcorp
Classification: Uncertain significance for Familial cancer of breast. Last evaluated: 2023-07-21. Review status: criteria provided, single submitter. Criteria: Invitae Variant Classification Sherloc (09022015). Collection method: clinical testing. Allele origin: germline.
Comment: This sequence change replaces alanine, which is neutral and non-polar, with valine, which is neutral and non-polar, at codon 427 of the PALB2 protein (p.Ala427Val). This variant is not present in population databases (gnomAD no frequency). In summary, the available evidence is currently insufficient to determine the role of this variant in disease. Therefore, it has been classified as a Variant of Uncertain Significance. Algorithms developed to predict the effect of missense changes on protein structure and function output the following: SIFT: "Not Available"; PolyPhen-2: "Possibly Damaging"; Align-GVGD: "Not Available". The valine amino acid residue is found in multiple mammalian species, which suggests that this missense change does not adversely affect protein function. ClinVar contains an entry for this variant (Variation ID: 1419147). This variant has not been reported in the literature in individuals affected with PALB2-related conditions.

Ambry Genetics
Classification: Uncertain significance for Hereditary cancer-predisposing syndrome. Last evaluated: 2023-02-04. Review status: criteria provided, single submitter. Criteria: Ambry Variant Classification Scheme 2023. Collection method: clinical testing. Allele origin: germline.
Comment: The p.A427V variant (also known as c.1280C>T), located in coding exon 4 of the PALB2 gene, results from a C to T substitution at nucleotide position 1280. The alanine at codon 427 is replaced by valine, an amino acid with similar properties. This amino acid position is highly conserved in available vertebrate species. In addition, this alteration is predicted to be tolerated by in silico analysis. Since supporting evidence is limited at this time, the clinical significance of this alteration remains unclear.